The following is an entry in ClinVar:

NM_002582.4(PARN):c.152A>G (p.Glu51Gly)

Gene: PARN (poly(A)-specific ribonuclease; minus strand). Cytogenetic location: 16p13.12.
Variant type: single nucleotide variant.
Coding change: c.152A>G on transcript NM_002582.4 (MANE Select); coding-DNA position 152, A replaced by G.
Protein change: p.Glu51Gly; replaces glutamic acid 51 with glycine.
Molecular consequence: missense variant. On other transcripts: 5 prime UTR variant (1).
Genome position (GRCh38, 1-based): chr16:14,628,197, T>C on the plus strand (A>G on the coding strand, the complement: PARN is on the minus strand). VCF-style: chr16-14628197-T-C. GRCh37 (hg19) VCF-style: chr16-14722054-T-C.
Other names: c.-32A>G (NM_001134477.3); c.152A>G, p.Glu51Gly (NM_001242992.2); short protein forms E51G.
Identifiers: ClinVar variation 2093829 (VCV002093829.4), dbSNP rs2508639624, ClinGen allele CA394816917.
Genomic context (GRCh38, chr16:14,628,197, plus strand): 5'-GAGAAAGAAAAAGATTTCCTAGCACATCCACTTGCCTTTTTAAGCTTCTGATACCTCTCT[T>C]CTGGAGTGTCAAAACCATTTGTTAATGCAGAGACTGAAGGTCCATCACTGATTCCTAGAT-3'
Protein context (NP_002573.1, residues 41-61): SALTNGFDTP[Glu51Gly]ERYQKLKKHS

ClinVar aggregate classification (germline): Uncertain significance (1 of 4 stars; one submission).

Conditions:
Dyskeratosis congenita, autosomal recessive 6 (DKCB6). Identifiers: MedGen C4225356, MONDO:0014600, OMIM 616353.
Pulmonary fibrosis and/or bone marrow failure, Telomere-related, 4. Also called: PULMONARY FIBROSIS AND/OR BONE MARROW FAILURE SYNDROME, TELOMERE-RELATED, 4. Identifiers: Orphanet 2032, MedGen C4225347, MONDO:0014612, OMIM 616371.

Allele frequency attached by ClinVar (database versions not stated): gnomAD exomes below 0.00001.
gnomAD v4.1: 1 of 1,603,530 alleles (0.000062%); highest among the groups gnomAD compares: African/African-American, 0.0013%; no homozygotes.

Submission:

Labcorp Genetics (formerly Invitae), Labcorp
Classification: Uncertain significance for Dyskeratosis congenita, autosomal recessive 6; Pulmonary fibrosis and/or bone marrow failure, Telomere-related, 4. Last evaluated: 2025-06-11. Review status: criteria provided, single submitter. Criteria: Invitae Variant Classification Sherloc (09022015). Collection method: clinical testing. Allele origin: germline.
Comment: This sequence change replaces glutamic acid, which is acidic and polar, with glycine, which is neutral and non-polar, at codon 51 of the PARN protein (p.Glu51Gly). This variant is not present in population databases (gnomAD no frequency). This variant has not been reported in the literature in individuals affected with PARN-related conditions. ClinVar contains an entry for this variant (Variation ID: 2093829). Invitae Evidence Modeling of protein sequence and biophysical properties (such as structural, functional, and spatial information, amino acid conservation, physicochemical variation, residue mobility, and thermodynamic stability) indicates that this missense variant is not expected to disrupt PARN protein function with a negative predictive value of 80%. In summary, the available evidence is currently insufficient to determine the role of this variant in disease. Therefore, it has been classified as a Variant of Uncertain Significance.